The following is an entry in ClinVar:

ClinVar aggregate classification (germline): Uncertain significance. Review status: criteria provided, multiple submitters, no conflicts (2 of 4 stars). 6 submissions from 6 submitters: Uncertain significance (6). Last evaluated 2025-11-18.

Conditions:
Inborn genetic diseases. Identifiers: MedGen C0950123, MeSH D030342.
TRPM1-related disorder. Also called: TRPM1-related condition.
Congenital stationary night blindness 1C. Also called: Night blindness, congenital stationary (complete), 1C, autosomal recessive. Identifiers: Orphanet 215, MedGen C2750747, MONDO:0013183, OMIM 613216.

Allele frequency attached by ClinVar (database versions not stated): gnomAD exomes 0.00011 and 0.00012; TOPMed 0.00011; ExAC 0.00012; gnomAD 0.00014 and 0.00016; 1000 Genomes Project 30x 0.00031.
gnomAD v4.1: 183 of 1,614,218 alleles (0.011%); highest among the groups gnomAD compares: Admixed American, 0.033%; no homozygotes.

Submissions (6):

Labcorp Genetics (formerly Invitae), Labcorp
Classification: Uncertain significance. Last evaluated: 2025-11-18. Review status: criteria provided, single submitter. Criteria: Invitae Variant Classification Sherloc (09022015). Collection method: clinical testing. Allele origin: germline.
Comment: This sequence change replaces arginine, which is basic and polar, with glutamine, which is neutral and polar, at codon 744 of the TRPM1 protein (p.Arg744Gln). This variant is present in population databases (rs376234885, gnomAD 0.04%). This variant has not been reported in the literature in individuals affected with TRPM1-related conditions. ClinVar contains an entry for this variant (Variation ID: 850044). Invitae Evidence Modeling of protein sequence and biophysical properties (such as structural, functional, and spatial information, amino acid conservation, physicochemical variation, residue mobility, and thermodynamic stability) indicates that this missense variant is not expected to disrupt TRPM1 protein function with a negative predictive value of 95%. In summary, the available evidence is currently insufficient to determine the role of this variant in disease. Therefore, it has been classified as a Variant of Uncertain Significance.

PreventionGenetics, part of Exact Sciences
Classification: Uncertain significance for TRPM1-related condition. Last evaluated: 2025-10-22. Review status: criteria provided, single submitter. Criteria: ACMG Guidelines, 2015. Collection method: clinical testing. Allele origin: germline.
Comment: The TRPM1 c.2348G>A variant is predicted to result in the amino acid substitution p.Arg783Gln. To our knowledge, this variant has not been reported in the literature. This variant is reported in 0.042% of alleles in individuals of Latino descent in gnomAD. At this time, the clinical significance of this variant is uncertain due to the absence of conclusive functional and genetic evidence.

Blueprint Genetics
Classification: Uncertain significance. Last evaluated: 2024-11-26. Review status: criteria provided, single submitter. Criteria: ACMG Guidelines, 2015. Collection method: clinical testing. Allele origin: germline.

Ambry Genetics
Classification: Uncertain significance for Inborn genetic diseases. Last evaluated: 2022-05-26. Review status: criteria provided, single submitter. Criteria: Ambry Variant Classification Scheme 2023. Collection method: clinical testing. Allele origin: germline.

Illumina Laboratory Services, Illumina
Classification: Uncertain significance for Congenital stationary night blindness 1C. Last evaluated: 2018-01-13. Review status: criteria provided, single submitter. Criteria: ICSL Variant Classification Criteria 13 December 2019. Collection method: clinical testing. Allele origin: germline.

Breakthrough Genomics
Classification: Uncertain significance. Review status: criteria provided, single submitter. Criteria: ACMG Guidelines, 2015. Collection method: not provided. Allele origin: germline. Inheritance: Unknown mechanism. Affected: yes.

NM_001252024.2(TRPM1):c.2297G>A (p.Arg766Gln)

Gene: TRPM1 (transient receptor potential cation channel subfamily M member 1; minus strand). Cytogenetic location: 15q13.3.
Variant type: single nucleotide variant.
Coding change: c.2297G>A on transcript NM_001252024.2 (MANE Select); coding-DNA position 2297, G replaced by A.
Protein change: p.Arg766Gln; replaces arginine 766 with glutamine.
Molecular consequence: missense variant.
Genome position (GRCh38, 1-based): chr15:31,040,137, C>T on the plus strand (G>A on the coding strand, the complement: TRPM1 is on the minus strand). VCF-style: chr15-31040137-C-T. GRCh37 (hg19) VCF-style: chr15-31332340-C-T.
Other names: c.2231G>A (NM_002420.4); c.2348G>A, p.Arg783Gln (NM_001252020.2); c.2231G>A, p.Arg744Gln (NM_002420.6); c.2348G>A (NM_001252020.1); short protein forms R766Q, R744Q, R783Q.
Identifiers: ClinVar variation 850044 (VCV000850044.13), dbSNP rs376234885, ClinGen allele CA7452270.